The following is an entry in ClinVar:

NM_018943.3(TUBA8):c.902A>G (p.Gln301Arg)

Gene: TUBA8 (tubulin alpha 8; plus strand). Cytogenetic location: 22q11.21.
Variant type: single nucleotide variant.
Coding change: c.902A>G on transcript NM_018943.3 (MANE Select); coding-DNA position 902, A replaced by G.
Protein change: p.Gln301Arg; replaces glutamine 301 with arginine.
Molecular consequence: missense variant.
Genome position (GRCh38, 1-based): chr22:18,126,880, A>G. VCF-style: chr22-18126880-A-G. GRCh37 (hg19) VCF-style: chr22-18609647-A-G.
Other names: c.704A>G, p.Gln235Arg (NM_001193414.2); short protein forms Q301R, Q235R.
Identifiers: ClinVar variation 392735 (VCV000392735.13), dbSNP rs2234333, ClinGen allele CA10093780.

ClinVar aggregate classification (germline): Conflicting classifications of pathogenicity. Review status: criteria provided, conflicting classifications (1 of 4 stars). 2 submissions from 2 submitters: Uncertain significance (1); Benign (1). Last evaluated 2026-01-04.

Allele frequency attached by ClinVar (database versions not stated): gnomAD 0.00028 and 0.00044; TOPMed 0.00053; ExAC 0.00092; 1000 Genomes Project 30x 0.00141; 1000 Genomes Project 0.00180.
gnomAD v4.1: 998 of 1,611,918 alleles (0.062%); highest among the groups gnomAD compares: East Asian, 2.1%; 12 homozygotes.

Submissions (2):

Labcorp Genetics (formerly Invitae), Labcorp
Classification: Benign. Last evaluated: 2026-01-04. Review status: criteria provided, single submitter. Criteria: Invitae Variant Classification Sherloc (09022015). Collection method: clinical testing. Allele origin: germline.

GeneDx
Classification: Uncertain significance. Last evaluated: 2017-01-16. Review status: criteria provided, single submitter. Criteria: GeneDx Variant Classification (06012015). Collection method: clinical testing. Allele origin: germline. Affected: yes.
Comment: A variant of uncertain significance has been identified in the TUBA8 gene. The Q301R variant has not been published as a pathogenic variant, nor has it been reported as a benign variant to our knowledge. The Q301R variant is observed in 106/8646 (1.2%) alleles from individuals of East Asian background (Lek et al., 2016; 1000 Genomes Consortium et al., 2015; Exome Variant Server). The Q301R variant is semi-conservative amino acid substitution, which may impact secondary protein structure as these residues differ in some properties. This substitution occurs at a position that is conserved across species. However, in silico analysis is inconsistent in its predictions as to whether or not the variant is damaging to the protein structure/function. Therefore, based on the currently available information, it is unclear whether this variant is a pathogenic variant or a rare benign variant.